The following is an entry in ClinVar:

ClinVar aggregate classification (germline): Pathogenic (1 of 4 stars; one submission).

Conditions:
Fanconi anemia (FA). Also called: Fanconi's anemia. Identifiers: Orphanet 84, MedGen C0015625, MeSH D005199, MONDO:0019391.

Submission:

Labcorp Genetics (formerly Invitae), Labcorp
Classification: Pathogenic for Fanconi anemia. Last evaluated: 2017-02-28. Review status: criteria provided, single submitter. Criteria: Invitae Variant Classification Sherloc (09022015). Collection method: clinical testing. Allele origin: germline.
Comment: This variant is an out-of-frame deletion of the genomic region encompassing exons 12-14 of the FANCA gene. This creates a premature translational stop signal and is expected to result in an absent or disrupted protein product. While this particular variant has not been reported in the literature, loss-of-function variants in FANCA are known to be pathogenic (PMID: 19367192). For these reasons, this variant has been classified as Pathogenic.

NC_000016.10:g.(?_89791397)_(89792553_?)del

Gene: FANCA (FA complementation group A; minus strand). Cytogenetic location: 16q24.3.
Variant type: Deletion.
Identifiers: ClinVar variation 456072 (VCV000456072.1).